The following is an entry in ClinVar:

NM_000521.4(HEXB):c.785T>A (p.Leu262Ter)

Gene: HEXB (hexosaminidase subunit beta; plus strand). Cytogenetic location: 5q13.3.
Variant type: single nucleotide variant.
Coding change: c.785T>A on transcript NM_000521.4 (MANE Select); coding-DNA position 785, T replaced by A.
Protein change: p.Leu262Ter; replaces leucine 262 with a stop codon.
Molecular consequence: nonsense.
Genome position (GRCh38, 1-based): chr5:74,713,519, T>A. VCF-style: chr5-74713519-T-A. GRCh37 (hg19) VCF-style: chr5-74009344-T-A.
Other names: c.110T>A, p.Leu37Ter (NM_001292004.2); short protein forms L262*, L37*.
Identifiers: ClinVar variation 1725532 (VCV001725532.3), dbSNP rs2478752327, ClinGen allele CA360066990.

ClinVar aggregate classification (germline): Likely pathogenic. Review status: criteria provided, multiple submitters, no conflicts (2 of 4 stars). 2 submissions from 2 submitters: Likely pathogenic (2). Last evaluated 2022-03-29.

Conditions:
HEXB-related disorders.
Sandhoff disease. Also called: GM2-GANGLIOSIDOSIS, TYPE II; HEXOSAMINIDASES A AND B DEFICIENCY; Beta-hexosaminidase-beta-subunit deficiency; GM2 gangliosidosis, type 2; Total hexosaminidase deficiency; Sandhoff-Jatzkewitz-Pilz disease. Identifiers: Orphanet 796, MedGen C0036161, MONDO:0010006, OMIM 268800.

Submissions (2):

Myriad Genetics, Inc.
Classification: Likely pathogenic for Sandhoff disease. Last evaluated: 2022-03-29. Review status: criteria provided, single submitter. Criteria: Myriad Women's Health Autosomal Recessive and X-Linked Classification Criteria (2021). Collection method: clinical testing. Allele origin: unknown.
Comment: NM_000521.3(HEXB):c.785T>A(L262*) is expected to be pathogenic in the context of Sandhoff disease. This variant is predicted to lead to an abnormal or absent protein product due to the creation of a premature termination codon in HEXB, a gene where loss-of-function variants are known to be pathogenic. Please note: this variant was assessed in the context of healthy population screening.

Blueprint Genetics
Classification: Likely pathogenic for HEXB-related disorders. Last evaluated: 2021-09-16. Review status: criteria provided, single submitter. Criteria: ACMG Guidelines, 2015. Collection method: clinical testing. Allele origin: germline. Affected: yes. Observed: 1 variant allele.